The following is an entry in ClinVar:

ClinVar aggregate classification (germline): Uncertain significance (1 of 4 stars; one submission).

Conditions:
Nemaline myopathy 6 (NEM6). Also called: Nemaline myopathy 6, autosomal dominant. Identifiers: Orphanet 171439, MedGen C1836472, MONDO:0012237, OMIM 609273.

Submission:

Labcorp Genetics (formerly Invitae), Labcorp
Classification: Uncertain significance for Nemaline myopathy 6. Last evaluated: 2024-04-10. Review status: criteria provided, single submitter. Criteria: Invitae Variant Classification Sherloc (09022015). Collection method: clinical testing. Allele origin: germline.
Comment: This sequence change replaces alanine, which is neutral and non-polar, with aspartic acid, which is acidic and polar, at codon 60 of the KBTBD13 protein (p.Ala60Asp). This variant is not present in population databases (gnomAD no frequency). This variant has not been reported in the literature in individuals affected with KBTBD13-related conditions. Advanced modeling of protein sequence and biophysical properties (such as structural, functional, and spatial information, amino acid conservation, physicochemical variation, residue mobility, and thermodynamic stability) performed at Invitae indicates that this missense variant is not expected to disrupt KBTBD13 protein function with a negative predictive value of 80%. In summary, the available evidence is currently insufficient to determine the role of this variant in disease. Therefore, it has been classified as a Variant of Uncertain Significance.

NM_001101362.3(KBTBD13):c.179C>A (p.Ala60Asp)

Gene: KBTBD13 (kelch repeat and BTB domain containing 13; plus strand). Cytogenetic location: 15q22.31.
Variant type: single nucleotide variant.
Coding change: c.179C>A on transcript NM_001101362.3 (MANE Select); coding-DNA position 179, C replaced by A.
Protein change: p.Ala60Asp; replaces alanine 60 with aspartic acid.
Molecular consequence: missense variant.
Genome position (GRCh38, 1-based): chr15:65,076,994, C>A. VCF-style: chr15-65076994-C-A. GRCh37 (hg19) VCF-style: chr15-65369332-C-A.
Other names: short protein forms A60D.
Identifiers: ClinVar variation 3649501 (VCV003649501.2).